The following is an entry in ClinVar:

NM_000572.3(IL10):c.332C>T (p.Ser111Phe)

Genes: IL10 (interleukin 10; minus strand), IL19 (interleukin 19; plus strand), LOC129932369 (ATAC-STARR-seq lymphoblastoid active region 2419; plus strand). Cytogenetic location: 1q32.1.
Variant type: single nucleotide variant.
Coding change: c.332C>T on transcript NM_000572.3 (MANE Select); coding-DNA position 332, C replaced by T.
Protein change: p.Ser111Phe; replaces serine 111 with phenylalanine.
Molecular consequence: missense variant. On other transcripts: 5 prime UTR variant (1), non-coding transcript variant (1), intron variant (1).
Genome position (GRCh38, 1-based): chr1:206,770,953, G>A on the plus strand (C>T on the coding strand, the complement: IL10 is on the minus strand). VCF-style: chr1-206770953-G-A. GRCh37 (hg19) VCF-style: chr1-206944298-G-A.
Other names: c.-274G>A (NM_153758.5); c.77C>T, p.Ser26Phe (NM_001382624.1); c.-149+123G>A (NM_001393490.1); short protein forms S111F, S26F.
Identifiers: ClinVar variation 1004415 (VCV001004415.8), dbSNP rs1674812448, ClinGen allele CA344482012.

ClinVar aggregate classification (germline): Uncertain significance (1 of 4 stars; one submission).

Conditions:
Inflammatory bowel disease. Identifiers: Orphanet 104012, MedGen C0021390, MONDO:0005265.

Allele frequency attached by ClinVar (database versions not stated): gnomAD exomes below 0.00001.
gnomAD v4.1: 2 of 1,614,126 alleles (0.00012%); highest among the groups gnomAD compares: South Asian, 0.0022%; no homozygotes.

Submission:

Labcorp Genetics (formerly Invitae), Labcorp
Classification: Uncertain significance for Inflammatory bowel disease. Last evaluated: 2020-02-27. Review status: criteria provided, single submitter. Criteria: Invitae Variant Classification Sherloc (09022015). Collection method: clinical testing. Allele origin: germline.
Comment: In summary, the available evidence is currently insufficient to determine the role of this variant in disease. Therefore, it has been classified as a Variant of Uncertain Significance. Algorithms developed to predict the effect of missense changes on protein structure and function are either unavailable or do not agree on the potential impact of this missense change (SIFT: "Tolerated"; PolyPhen-2: "Possibly Damaging"; Align-GVGD: "Class C0"). This sequence change replaces serine with phenylalanine at codon 111 of the IL10 protein (p.Ser111Phe). The serine residue is highly conserved and there is a large physicochemical difference between serine and phenylalanine. This variant is not present in population databases (ExAC no frequency). This variant has not been reported in the literature in individuals with IL10-related conditions.